The following is an entry in ClinVar:

ClinVar aggregate classification (germline): Uncertain significance. Review status: criteria provided, multiple submitters, no conflicts (2 of 4 stars). 2 submissions from 2 submitters: Uncertain significance (2). Last evaluated 2025-10-21.

Conditions:
Hereditary pancreatitis (PCTT). Also called: Hereditary chronic pancreatitis; PRSS1-Related Hereditary Pancreatitis. Identifiers: Orphanet 676, MedGen C0238339, MONDO:0008185, OMIM 167800.

Allele frequency attached by ClinVar (database versions not stated): gnomAD exomes below 0.00001.
gnomAD v4.1: 1 of 1,614,154 alleles (0.000062%); highest among the groups gnomAD compares: Non-Finnish European, 0.000085%; no homozygotes.

Submissions (2):

Ambry Genetics
Classification: Uncertain significance for Hereditary pancreatitis. Last evaluated: 2025-10-21. Review status: criteria provided, single submitter. Criteria: Ambry Variant Classification Scheme 2023. Collection method: clinical testing. Allele origin: germline.

Labcorp Genetics (formerly Invitae), Labcorp
Classification: Uncertain significance. Last evaluated: 2024-12-18. Review status: criteria provided, single submitter. Criteria: Invitae Variant Classification Sherloc (09022015). Collection method: clinical testing. Allele origin: germline.
Comment: This sequence change replaces serine, which is neutral and polar, with proline, which is neutral and non-polar, at codon 376 of the CPA1 protein (p.Ser376Pro). This variant is not present in population databases (gnomAD no frequency). This missense change has been observed in individual(s) with chronic pancreatitis (PMID: 23955596). ClinVar contains an entry for this variant (Variation ID: 1799251). Invitae Evidence Modeling of protein sequence and biophysical properties (such as structural, functional, and spatial information, amino acid conservation, physicochemical variation, residue mobility, and thermodynamic stability) has been performed for this missense variant. However, the output from this modeling did not meet the statistical confidence thresholds required to predict the impact of this variant on CPA1 protein function. In summary, the available evidence is currently insufficient to determine the role of this variant in disease. Therefore, it has been classified as a Variant of Uncertain Significance.

Literature cited by the submitters: PubMed 23955596 (cited by Labcorp Genetics (formerly Invitae), Labcorp).

NM_001868.4(CPA1):c.1126T>C (p.Ser376Pro)

Gene: CPA1 (carboxypeptidase A1; plus strand). Cytogenetic location: 7q32.2.
Variant type: single nucleotide variant.
Coding change: c.1126T>C on transcript NM_001868.4 (MANE Select); coding-DNA position 1126, T replaced by C.
Protein change: p.Ser376Pro; replaces serine 376 with proline.
Molecular consequence: missense variant.
Genome position (GRCh38, 1-based): chr7:130,387,877, T>C. VCF-style: chr7-130387877-T-C. GRCh37 (hg19) VCF-style: chr7-130027718-T-C.
Other names: short protein forms S376P.
Identifiers: ClinVar variation 1799251 (VCV001799251.5), dbSNP rs2536015309, ClinGen allele CA369284294.